The following is an entry in ClinVar:

ClinVar aggregate classification (germline): Uncertain significance (1 of 4 stars; one submission).

Conditions:
Bethlem myopathy 1A. Also called: MYOPATHY, BENIGN CONGENITAL, WITH CONTRACTURES; Bethlem myopathy 1; Bethlem Muscular Dystrophy. Identifiers: Orphanet 610, MedGen CN029274, MONDO:0024530, OMIM 158810.

gnomAD v4.1: 1 of 1,612,042 alleles (0.000062%); highest among the groups gnomAD compares: Non-Finnish European, 0.000085%; no homozygotes.

Submission:

Labcorp Genetics (formerly Invitae), Labcorp
Classification: Uncertain significance for Bethlem myopathy 1A. Last evaluated: 2024-06-28. Review status: criteria provided, single submitter. Criteria: Invitae Variant Classification Sherloc (09022015). Collection method: clinical testing. Allele origin: germline.
Comment: This sequence change replaces serine, which is neutral and polar, with asparagine, which is neutral and polar, at codon 2821 of the COL6A3 protein (p.Ser2821Asn). This variant is not present in population databases (gnomAD no frequency). This variant has not been reported in the literature in individuals affected with COL6A3-related conditions. Algorithms developed to predict the effect of missense changes on protein structure and function output the following: SIFT: "Not Available"; PolyPhen-2: "Not Available"; Align-GVGD: "Not Available". The asparagine amino acid residue is found in multiple mammalian species, which suggests that this missense change does not adversely affect protein function. In summary, the available evidence is currently insufficient to determine the role of this variant in disease. Therefore, it has been classified as a Variant of Uncertain Significance.

NM_004369.4(COL6A3):c.8462G>A (p.Ser2821Asn)

Gene: COL6A3 (collagen type VI alpha 3 chain; minus strand). Cytogenetic location: 2q37.3.
Variant type: single nucleotide variant.
Coding change: c.8462G>A on transcript NM_004369.4 (MANE Select); coding-DNA position 8462, G replaced by A.
Protein change: p.Ser2821Asn; replaces serine 2821 with asparagine.
Molecular consequence: missense variant.
Genome position (GRCh38, 1-based): chr2:237,340,454, C>T on the plus strand (G>A on the coding strand, the complement: COL6A3 is on the minus strand). VCF-style: chr2-237340454-C-T. GRCh37 (hg19) VCF-style: chr2-238249097-C-T.
Other names: c.6641G>A, p.Ser2214Asn (NM_057166.5); c.7844G>A, p.Ser2615Asn (NM_057167.4); short protein forms S2214N, S2615N, S2821N.
Identifiers: ClinVar variation 3685618 (VCV003685618.2).
Genomic context (GRCh38, chr2:237,340,454, plus strand): 5'-TCTCCTGGCCCGAGCATAAAGCCAGGCCAGGGCACATGCTGTGCCACGCAGGACTTACTG[C>T]TGACGAAGGATGGCAACAGCCTCCCGAAGCGCATCAAAGGCTCCTCGTTGAGCTCGGTGG-3'
Protein context (NP_004360.2, residues 2811-2831): RFGRLLPSFV[Ser2821Asn]SENAFYLSPD